The following is an entry in ClinVar:

NM_054012.4(ASS1):c.420+1G>T

Gene: ASS1 (argininosuccinate synthase 1; plus strand). Cytogenetic location: 9q34.11.
Variant type: single nucleotide variant.
Coding change: c.420+1G>T on transcript NM_054012.4 (MANE Select); the canonical splice donor site of the intron after coding-DNA position 420, G replaced by T.
Molecular consequence: splice donor variant.
Genome position (GRCh38, 1-based): chr9:130,464,168, G>T. VCF-style: chr9-130464168-G-T. GRCh37 (hg19) VCF-style: chr9-133339555-G-T.
Other names: c.420+1G>T (NM_000050.4).
Identifiers: ClinVar variation 928638 (VCV000928638.3), dbSNP rs1554983719, ClinGen allele CA375225873.

ClinVar aggregate classification (germline): Pathogenic/Likely pathogenic. Review status: criteria provided, multiple submitters, no conflicts (2 of 4 stars). 2 submissions from 2 submitters: Pathogenic (1); Likely pathogenic (1). Last evaluated 2019-09-06.

Conditions:
Citrullinemia type I (CTNL1). Also called: ASS DEFICIENCY; argininosuccinate synthetase deficiency. Identifiers: Orphanet 247525, MedGen C4721769, MONDO:0008988, OMIM 215700.

Submissions (2):

Women's Health and Genetics/Laboratory Corporation of America, LabCorp
Classification: Likely pathogenic for Citrullinuria. Last evaluated: 2019-09-06. Review status: criteria provided, single submitter. Criteria: LabCorp Variant Classification Summary - May 2015. Collection method: clinical testing. Allele origin: germline.
Comment: Variant summary: ASS1 c.420+1G>T is located in a canonical splice-site and is predicted to affect mRNA splicing resulting in a significantly altered protein due to either exon skipping, shortening, or inclusion of intronic material. Several computational tools predict a significant impact on normal splicing: Five predict the variant abolishes a 5' splicing donor site. However, these predictions have yet to be confirmed by functional studies. The variant was absent in 251426 control chromosomes (gnomAD). To our knowledge, no occurrence of c.420+1G>T in individuals affected with Citrullinemia Type I and no experimental evidence demonstrating its impact on protein function have been reported. No clinical diagnostic laboratories have submitted clinical-significance assessments for this variant to ClinVar after 2014. Based on the evidence outlined above, the variant was classified as likely pathogenic.

Kasturba Medical College, Manipal, Kasturba Medical College, Manipal, Manipal Academy of Higher Education, Manipal, India
Classification: Pathogenic for Citrullinemia type I. Review status: criteria provided, single submitter. Criteria: ACMG Guidelines, 2015. Collection method: clinical testing. Allele origin: unknown. Inheritance: Autosomal recessive inheritance. Affected: no. Observed: 1 heterozygote.
Comment: This canonical splice site variant can cause aberrant splicing and lead to either the formation of a truncated protein product or the transcript to undergo nonsense mRNA decay. Bi-allelic variants in ASS1 associated with citrullinemia.